The following is an entry in ClinVar:

ClinVar aggregate classification (germline): Uncertain significance (1 of 4 stars; one submission).

Allele frequency attached by ClinVar (database versions not stated): gnomAD exomes below 0.00001; TOPMed below 0.00001.
gnomAD v4.1: 1 of 1,601,790 alleles (0.000062%); highest among the groups gnomAD compares: African/African-American, 0.0013%; no homozygotes.

Submission:

Ambry Genetics
Classification: Uncertain significance. Last evaluated: 2023-12-22. Review status: criteria provided, single submitter. Criteria: Ambry Variant Classification Scheme 2023. Collection method: clinical testing. Allele origin: germline.
Comment: The p.L1114P variant (also known as c.3341T>C), located in coding exon 21 of the PKP4 gene, results from a T to C substitution at nucleotide position 3341. The leucine at codon 1114 is replaced by proline, an amino acid with similar properties. This amino acid position is conserved. In addition, the in silico prediction for this alteration is inconclusive. Since supporting evidence is limited at this time, the clinical significance of this alteration remains unclear.

NM_003628.6(PKP4):c.3341T>C (p.Leu1114Pro)

Genes: PKP4 (plakophilin 4; plus strand), PKP4-AS1 (PKP4 antisense RNA 1; minus strand). Cytogenetic location: 2q24.1.
Variant type: single nucleotide variant.
Coding change: c.3341T>C on transcript NM_003628.6 (MANE Select); coding-DNA position 3341, T replaced by C.
Protein change: p.Leu1114Pro; replaces leucine 1114 with proline.
Molecular consequence: missense variant.
Genome position (GRCh38, 1-based): chr2:158,680,439, T>C. VCF-style: chr2-158680439-T-C. GRCh37 (hg19) VCF-style: chr2-159536951-T-C.
Other names: c.3212T>C, p.Leu1071Pro (NM_001005476.4, NM_001377225.1); c.3338T>C, p.Leu1113Pro (NM_001304969.3, NM_001377219.1, NM_001377220.1 and 1 more transcripts); c.2312T>C, p.Leu771Pro (NM_001304970.3); c.3341T>C, p.Leu1114Pro (NM_001377218.1); c.3335T>C, p.Leu1112Pro (NM_001377222.1, NM_001377223.1); c.3332T>C, p.Leu1111Pro (NM_001377224.1); c.3209T>C, p.Leu1070Pro (NM_001377226.1); short protein forms L1070P, L1071P, L1111P, L1112P, L1113P, L1114P, L771P.
Identifiers: ClinVar variation 3223524 (VCV003223524.1), dbSNP rs2058367420, ClinGen allele CA348908891.